The following is an entry in ClinVar:

NM_014208.3(DSPP):c.10A>C (p.Ile4Leu)

Genes: DMP1-AS1 (DMP1 and DSPP antisense RNA 1; minus strand), DSPP (dentin sialophosphoprotein; plus strand). Cytogenetic location: 4q22.1.
Variant type: single nucleotide variant.
Coding change: c.10A>C on transcript NM_014208.3 (MANE Select); coding-DNA position 10, A replaced by C.
Protein change: p.Ile4Leu; replaces isoleucine 4 with leucine.
Molecular consequence: missense variant.
Genome position (GRCh38, 1-based): chr4:87,610,918, A>C. VCF-style: chr4-87610918-A-C. GRCh37 (hg19) VCF-style: chr4-88532070-A-C.
Other names: short protein forms I4L.
Identifiers: ClinVar variation 2085267 (VCV002085267.4), dbSNP rs2475879218, ClinGen allele CA357601831.

ClinVar aggregate classification (germline): Uncertain significance (1 of 4 stars; one submission).

Submission:

Labcorp Genetics (formerly Invitae), Labcorp
Classification: Uncertain significance. Last evaluated: 2022-02-19. Review status: criteria provided, single submitter. Criteria: Invitae Variant Classification Sherloc (09022015). Collection method: clinical testing. Allele origin: germline.
Comment: This variant is not present in population databases (gnomAD no frequency). In summary, the available evidence is currently insufficient to determine the role of this variant in disease. Therefore, it has been classified as a Variant of Uncertain Significance. Algorithms developed to predict the effect of missense changes on protein structure and function output the following: SIFT: "Deleterious"; PolyPhen-2: "Probably Damaging"; Align-GVGD: "Class C0". The leucine amino acid residue is found in multiple mammalian species, which suggests that this missense change does not adversely affect protein function. This variant has not been reported in the literature in individuals affected with DSPP-related conditions. This sequence change replaces isoleucine, which is neutral and non-polar, with leucine, which is neutral and non-polar, at codon 4 of the DSPP protein (p.Ile4Leu).